The following is an entry in ClinVar:

ClinVar aggregate classification (germline): Uncertain significance (1 of 4 stars; one submission).

Allele frequency attached by ClinVar (database versions not stated): gnomAD exomes below 0.00001.
gnomAD v4.1: 1 of 1,613,346 alleles (0.000062%); highest among the groups gnomAD compares: Non-Finnish European, 0.000085%; no homozygotes.

Submission:

Ambry Genetics
Classification: Uncertain significance. Last evaluated: 2023-12-08. Review status: criteria provided, single submitter. Criteria: Ambry Variant Classification Scheme 2023. Collection method: clinical testing. Allele origin: germline.
Comment: The p.E242D variant (also known as c.726A>C), located in coding exon 1 of the MLH3 gene, results from an A to C substitution at nucleotide position 726. The glutamic acid at codon 242 is replaced by aspartic acid, an amino acid with highly similar properties. This amino acid position is conserved. In addition, the in silico prediction for this alteration is inconclusive. Since supporting evidence is limited at this time, the clinical significance of this alteration remains unclear.

NM_001040108.2(MLH3):c.726A>C (p.Glu242Asp)

Gene: MLH3 (mutL homolog 3; minus strand). Cytogenetic location: 14q24.3.
Variant type: single nucleotide variant.
Coding change: c.726A>C on transcript NM_001040108.2 (MANE Select); coding-DNA position 726, A replaced by C.
Protein change: p.Glu242Asp; replaces glutamic acid 242 with aspartic acid.
Molecular consequence: missense variant.
Genome position (GRCh38, 1-based): chr14:75,048,930, T>G on the plus strand (A>C on the coding strand, the complement: MLH3 is on the minus strand). VCF-style: chr14-75048930-T-G. GRCh37 (hg19) VCF-style: chr14-75515633-T-G.
Other names: c.726A>C, p.Glu242Asp (NM_014381.3); short protein forms E242D.
Identifiers: ClinVar variation 3232593 (VCV003232593.1), dbSNP rs2503318585, ClinGen allele CA390449413.